The following is an entry in ClinVar:

NM_004456.5(EZH2):c.1446A>G (p.Ile482Met)

Gene: EZH2 (enhancer of zeste 2 polycomb repressive complex 2 subunit; minus strand). Cytogenetic location: 7q36.1.
Variant type: single nucleotide variant.
Coding change: c.1446A>G on transcript NM_004456.5 (MANE Select); coding-DNA position 1446, A replaced by G.
Protein change: p.Ile482Met; replaces isoleucine 482 with methionine.
Molecular consequence: missense variant.
Genome position (GRCh38, 1-based): chr7:148,816,743, T>C on the plus strand (A>G on the coding strand, the complement: EZH2 is on the minus strand). VCF-style: chr7-148816743-T-C. GRCh37 (hg19) VCF-style: chr7-148513835-T-C.
Other names: c.1431A>G, p.Ile477Met (NM_001203247.2); c.1404A>G, p.Ile468Met (NM_001203248.2, NM_001203249.2); c.1314A>G, p.Ile438Met (NM_152998.3); short protein forms I438M, I468M, I477M, I482M.
Identifiers: ClinVar variation 3901329 (VCV003901329.1).
Genomic context (GRCh38, chr7:148,816,743, plus strand): 5'-CCGGTGTTTCCTCTTCTTTTTCCTTGGAGGAGTATCCACATCCTCAGCGGGAGCTGGAGC[T>C]ATGATGCTAGATTCTTTGACTCTAAACTCATACACCTGACAAGAGGCACAGTCACAGAGC-3'
Protein context (NP_004447.2, residues 472-492): YEFRVKESSI[Ile482Met]APAPAEDVDT

ClinVar aggregate classification (germline): Uncertain significance (1 of 4 stars; one submission).

Submission:

GeneDx
Classification: Uncertain significance. Last evaluated: 2024-12-06. Review status: criteria provided, single submitter. Criteria: GeneDx Variant Classification Process June 2021. Collection method: clinical testing. Allele origin: germline. Affected: yes.
Comment: Not observed at significant frequency in large population cohorts (gnomAD); In silico analysis indicates that this missense variant does not alter protein structure/function; Has not been previously published as pathogenic or benign to our knowledge